The following is an entry in ClinVar:

NM_001145809.2(MYH14):c.5029C>T (p.Arg1677Cys)

Gene: MYH14 (myosin heavy chain 14; plus strand). Cytogenetic location: 19q13.33.
Variant type: single nucleotide variant.
Coding change: c.5029C>T on transcript NM_001145809.2 (MANE Select); coding-DNA position 5029, C replaced by T.
Protein change: p.Arg1677Cys; replaces arginine 1677 with cysteine.
Molecular consequence: missense variant.
Genome position (GRCh38, 1-based): chr19:50,290,950, C>T. VCF-style: chr19-50290950-C-T. GRCh37 (hg19) VCF-style: chr19-50794207-C-T.
Other names: c.4930C>T, p.Arg1644Cys (NM_001077186.2); c.4906C>T, p.Arg1636Cys (NM_024729.4); c.4906C>T (NM_024729.3); short protein forms R1636C, R1644C, R1677C.
Identifiers: ClinVar variation 2419267 (VCV002419267.7), dbSNP rs369214872, ClinGen allele CA9593670.

ClinVar aggregate classification (germline): Uncertain significance. Review status: criteria provided, multiple submitters, no conflicts (2 of 4 stars). 2 submissions from 2 submitters: Uncertain significance (2). Last evaluated 2023-10-20.

Allele frequency attached by ClinVar (database versions not stated): gnomAD 0.00002; TOPMed 0.00002; ExAC 0.00006; ESP Exome Variant Server 0.00008.
gnomAD v4.1: 24 of 1,598,894 alleles (0.0015%); highest among the groups gnomAD compares: Middle Eastern, 0.018%; no homozygotes.

Submissions (2):

GeneDx
Classification: Uncertain significance. Last evaluated: 2023-10-20. Review status: criteria provided, single submitter. Criteria: GeneDx Variant Classification Process June 2021. Collection method: clinical testing. Allele origin: germline. Affected: yes.
Comment: In silico analysis supports that this missense variant has a deleterious effect on protein structure/function; Has not been previously published as pathogenic or benign to our knowledge

Labcorp Genetics (formerly Invitae), Labcorp
Classification: Uncertain significance. Last evaluated: 2022-06-05. Review status: criteria provided, single submitter. Criteria: Invitae Variant Classification Sherloc (09022015). Collection method: clinical testing. Allele origin: germline.
Comment: Algorithms developed to predict the effect of missense changes on protein structure and function (SIFT, PolyPhen-2, Align-GVGD) all suggest that this variant is likely to be disruptive. In summary, the available evidence is currently insufficient to determine the role of this variant in disease. Therefore, it has been classified as a Variant of Uncertain Significance. This variant has not been reported in the literature in individuals affected with MYH14-related conditions. This sequence change replaces arginine, which is basic and polar, with cysteine, which is neutral and slightly polar, at codon 1636 of the MYH14 protein (p.Arg1636Cys). This variant is present in population databases (rs369214872, gnomAD 0.003%).